The following is an entry in ClinVar:

ClinVar aggregate classification (germline): Likely pathogenic (0 of 4 stars; one submission).

Conditions:
SIX1-related disorder. Also called: SIX1-related condition.

Submission:

PreventionGenetics, part of Exact Sciences
Classification: Likely pathogenic for SIX1-related condition. Last evaluated: 2024-09-26. Review status: no assertion criteria provided. Collection method: clinical testing. Allele origin: germline.
Comment: The SIX1 c.301delC variant is predicted to result in a frameshift and premature protein termination (p.Arg101Aspfs*151). To our knowledge, this variant has not been reported in the literature or in a large population database, indicating this variant is rare. Frameshift variants in SIX1 are expected to be pathogenic. This variant is interpreted as likely pathogenic.

NM_005982.4(SIX1):c.301del (p.Arg101fs)

Gene: SIX1 (SIX homeobox 1; minus strand). Cytogenetic location: 14q23.1.
Variant type: Deletion.
Coding change: c.301del on transcript NM_005982.4 (MANE Select); coding-DNA position 301, one base deleted (C; older notation c.301delC).
Protein change: p.Arg101fs; shifts the reading frame from arginine 101.
Molecular consequence: frameshift variant.
Genome position (GRCh38, 1-based): chr14:60,648,889, G deleted on the plus strand (C on the coding strand, the reverse complement: SIX1 is on the minus strand); the first of 2 consecutive G bases (chr14:60,648,889-60,648,890); deleting either gives the same sequence. VCF-style (leftmost placement, unchanged base first): chr14-60648888-CG-C. GRCh37 (hg19) VCF-style: chr14-61115606-CG-C.
Other names: c.301del, p.Arg101fs (NM_001425142.1); short protein forms R101fs.
Identifiers: ClinVar variation 3356413 (VCV003356413.1).